The following is an entry in ClinVar:

ClinVar aggregate classification (germline): Likely benign (1 of 4 stars; one submission).

gnomAD v4.1: 8,073 of 1,614,156 alleles (0.5%); highest among the groups gnomAD compares: Non-Finnish European, 0.61%; 34 homozygotes.

Submission:

CeGaT Center for Human Genetics Tuebingen
Classification: Likely benign. Last evaluated: 2026-07-01. Review status: criteria provided, single submitter. Criteria: CeGaT Center For Human Genetics Tuebingen Variant Classification Criteria Version 2. Collection method: clinical testing. Allele origin: germline. Affected: yes. Observed: 1 variant allele.
Comment: LIN28B: BP4, BS2

NM_001004317.4(LIN28B):c.596A>G (p.His199Arg)

Gene: LIN28B (lin-28 RNA binding posttranscriptional regulator B; plus strand). Cytogenetic location: 6q21.
Variant type: single nucleotide variant.
Coding change: c.596A>G on transcript NM_001004317.4 (MANE Select); coding-DNA position 596, A replaced by G.
Protein change: p.His199Arg; replaces histidine 199 with arginine.
Molecular consequence: missense variant.
Genome position (GRCh38, 1-based): chr6:105,078,626, A>G. VCF-style: chr6-105078626-A-G. GRCh37 (hg19) VCF-style: chr6-105526501-A-G.
Other names: c.620A>G, p.His207Arg (NM_001410939.1); short protein forms H199R, H207R.
Identifiers: ClinVar variation 5038632 (VCV005038632.1).